The following is an entry in ClinVar:

NM_000517.6(HBA2):c.300+3G>T

Genes: HBA2 (hemoglobin subunit alpha 2; plus strand), LOC106804612 (hemoglobin subunit alpha 2 recombination region; plus strand). Cytogenetic location: 16p13.3.
Variant type: single nucleotide variant.
Coding change: c.300+3G>T on transcript NM_000517.6 (MANE Select); 3 bases into the intron after coding-DNA position 300, G replaced by T.
Molecular consequence: intron variant.
Genome position (GRCh38, 1-based): chr16:173,332, G>T. VCF-style: chr16-173332-G-T. GRCh37 (hg19) VCF-style: chr16-223331-G-T.
Other names: c.300+3G>T (NM_000517.4).
Identifiers: ClinVar variation 3767045 (VCV003767045.3).

ClinVar aggregate classification (germline): Uncertain significance. Review status: criteria provided, multiple submitters, no conflicts (2 of 4 stars). 3 submissions from 3 submitters: Uncertain significance (3). Last evaluated 2025-04-23.

Submissions (3):

Quest Diagnostics Nichols Institute San Juan Capistrano
Classification: Uncertain significance. Last evaluated: 2025-04-23. Review status: criteria provided, single submitter. Criteria: Quest Diagnostics criteria. Collection method: clinical testing. Allele origin: unknown.
Comment: The HBA2 c.300+3G>T variant, to the best of our knowledge, has not been reported in the published literature. The frequency of this variant in the general population (Genome Aggregation Database) is uninformative in the assessment of its pathogenicity. Analysis of this variant using software algorithms for the prediction of the effect of nucleotide changes on HBA2 mRNA splicing yielded inconclusive findings. Based on the available information, we are unable to determine the clinical significance of this variant.

ARUP Laboratories, Molecular Genetics and Genomics, ARUP Laboratories
Classification: Uncertain significance. Last evaluated: 2024-01-12. Review status: criteria provided, single submitter. Criteria: ARUP Molecular Germline Variant Investigation Process 2024. Collection method: clinical testing. Allele origin: germline.
Comment: The HBA2 c.300+3G>T variant (rs552012838), to our knowledge, is not reported in the medical literature or gene specific databases. This variant is observed in the general population with an overall allele frequency of 0.005% (12/224612 alleles) in the Genome Aggregation Database (v2.1.1), but is considered a low confidence variant in the database. This is an intronic variant, and computational analyses (Alamut Visual Plus v.1.5.1) predict that this variant may impact splicing by weakening the nearby canonical donor splice site. Due to limited information, the clinical significance of this variant is uncertain at this time.

Blueprint Genetics
Classification: Uncertain significance. Last evaluated: 2023-06-09. Review status: criteria provided, single submitter. Criteria: ACMG Guidelines, 2015. Collection method: clinical testing. Allele origin: germline.